The following is an entry in ClinVar:

NM_000492.4(CFTR):c.3214C>T (p.Pro1072Ser)

Genes: CFTR (CF transmembrane conductance regulator; plus strand), CFTR-AS2 (CFTR antisense RNA 2; minus strand), LOC111674472 (DNase I hypersensitive sites in introns 16 and 17a of CFTR; plus strand). Cytogenetic location: 7q31.2.
Variant type: single nucleotide variant.
Coding change: c.3214C>T on transcript NM_000492.4 (MANE Select); coding-DNA position 3214, C replaced by T.
Protein change: p.Pro1072Ser; replaces proline 1072 with serine.
Molecular consequence: missense variant.
Genome position (GRCh38, 1-based): chr7:117,611,655, C>T. VCF-style: chr7-117611655-C-T. GRCh37 (hg19) VCF-style: chr7-117251709-C-T.
Other names: short protein forms P1072S.
Identifiers: ClinVar variation 823214 (VCV000823214.6), dbSNP rs1584822281, ClinGen allele CA368992109.

ClinVar aggregate classification (germline): Uncertain significance. Review status: criteria provided, single submitter (1 of 4 stars). 2 submissions from 2 submitters: Uncertain significance (1). 1 of the submissions does not count toward it. Last evaluated 2025-10-22.

Conditions:
CFTR-related disorder (CFTR-RD). Also called: CFTR-related condition; CFTR-related disorders. Identifiers: MedGen C5924204, MONDO:7770004.
Cystic fibrosis (CF). Also called: MUCOVISCIDOSIS. Identifiers: Orphanet 586, MedGen C0010674, MONDO:0009061, OMIM 219700. Disease mechanism: loss of function.

Submissions (2):

Ambry Genetics
Classification: Uncertain significance for Cystic fibrosis. Last evaluated: 2025-10-22. Review status: criteria provided, single submitter. Criteria: Ambry Variant Classification Scheme 2023. Collection method: clinical testing. Allele origin: germline.
Comment: The p.P1072S variant (also known as c.3214C>T), located in coding exon 20 of the CFTR gene, results from a C to T substitution at nucleotide position 3214. The proline at codon 1072 is replaced by serine, an amino acid with similar properties. This amino acid position is not well conserved in available vertebrate species. In addition, the in silico prediction for this alteration is inconclusive. Since supporting evidence is limited at this time, the clinical significance of this alteration remains unclear.

Natera, Inc.
Classification: Uncertain significance for CFTR-related disorders. Last evaluated: 2020-12-27. Review status: no assertion criteria provided. Collection method: clinical testing. Allele origin: germline. Not counted in ClinVar's aggregate classification.